The following is an entry in ClinVar:

NM_198253.3(TERT):c.1930A>G (p.Thr644Ala)

Gene: TERT (telomerase reverse transcriptase; minus strand). Cytogenetic location: 5p15.33.
Variant type: single nucleotide variant.
Coding change: c.1930A>G on transcript NM_198253.3 (MANE Select); coding-DNA position 1930, A replaced by G.
Protein change: p.Thr644Ala; replaces threonine 644 with alanine.
Molecular consequence: missense variant. On other transcripts: non-coding transcript variant (2).
Genome position (GRCh38, 1-based): chr5:1,280,178, T>C on the plus strand (A>G on the coding strand, the complement: TERT is on the minus strand). VCF-style: chr5-1280178-T-C. GRCh37 (hg19) VCF-style: chr5-1280293-T-C.
Other names: c.1930A>G, p.Thr644Ala (NM_001193376.3, NM_003219.1); short protein forms T644A.
Identifiers: ClinVar variation 3238529 (VCV003238529.1), dbSNP rs2478283993.

ClinVar aggregate classification (germline): Uncertain significance (1 of 4 stars; one submission).

Conditions:
Dyskeratosis congenita. Identifiers: Orphanet 1775, MedGen C0265965, MONDO:0015780.

Submission:

Ambry Genetics
Classification: Uncertain significance for Dyskeratosis congenita. Last evaluated: 2023-07-06. Review status: criteria provided, single submitter. Criteria: Ambry Variant Classification Scheme 2023. Collection method: clinical testing. Allele origin: germline.
Comment: The p.T644A variant (also known as c.1930A>G), located in coding exon 4 of the TERT gene, results from an A to G substitution at nucleotide position 1930. The threonine at codon 644 is replaced by alanine, an amino acid with similar properties. This amino acid position is conserved. In addition, this alteration is predicted to be tolerated by in silico analysis. Since supporting evidence is limited at this time, the clinical significance of this alteration remains unclear.